The following is an entry in ClinVar:

ClinVar aggregate classification (germline): Conflicting classifications of pathogenicity. Review status: criteria provided, conflicting classifications (1 of 4 stars). 5 submissions from 5 submitters: Uncertain significance (1); Benign (1); Likely benign (3). Last evaluated 2025-01-08.

Conditions:
BAP1-related tumor predisposition syndrome (TPDS1). Also called: Tumor susceptibility linked to germline BAP1 mutations; BAP1 tumor predisposition syndrome; COMMON Syndrome; TUMOR PREDISPOSITION SYNDROME 1. Identifiers: Orphanet 289539, MedGen C3280492, MONDO:0013692, OMIM 614327.
Hereditary cancer-predisposing syndrome. Also called: Hereditary Cancer Syndrome; Neoplastic Syndromes, Hereditary; Tumor predisposition; Hereditary neoplastic syndrome. Identifiers: Orphanet 140162, MedGen C0027672, MeSH D009386, MONDO:0015356.

Allele frequency attached by ClinVar (database versions not stated): gnomAD 0.00001.

Submissions (5):

Labcorp Genetics (formerly Invitae), Labcorp
Classification: Likely benign for BAP1-related tumor predisposition syndrome. Last evaluated: 2025-01-08. Review status: criteria provided, single submitter. Criteria: Invitae Variant Classification Sherloc (09022015). Collection method: clinical testing. Allele origin: germline.

Myriad Genetics, Inc.
Classification: Benign for BAP1-related tumor predisposition syndrome. Last evaluated: 2024-07-17. Review status: criteria provided, single submitter. Criteria: Myriad Autosomal Dominant, Autosomal Recessive and X-Linked Classification Criteria (2023). Collection method: clinical testing. Allele origin: unknown.
Comment: This variant is considered benign. This variant is a silent/synonymous amino acid change and it is not expected to impact splicing.

GeneDx
Classification: Uncertain significance. Last evaluated: 2023-12-27. Review status: criteria provided, single submitter. Criteria: GeneDx Variant Classification Process June 2021. Collection method: clinical testing. Allele origin: germline. Affected: yes.
Comment: Not observed at significant frequency in large population cohorts (gnomAD); Has not been previously published as pathogenic or benign to our knowledge; In silico analysis suggests this variant may impact gene splicing. In the absence of RNA/functional studies, the actual effect of this sequence change is unknown.

Ambry Genetics
Classification: Likely benign for Hereditary cancer-predisposing syndrome. Last evaluated: 2020-04-10. Review status: criteria provided, single submitter. Criteria: Ambry Variant Classification Scheme 2023. Collection method: clinical testing. Allele origin: germline.

Color Diagnostics, LLC DBA Color Health
Classification: Likely benign for Hereditary cancer-predisposing syndrome. Last evaluated: 2016-07-18. Review status: criteria provided, single submitter. Criteria: ACMG Guidelines, 2015. Collection method: clinical testing. Allele origin: germline.

NM_004656.4(BAP1):c.1842G>C (p.Gly614=)

Gene: BAP1 (BRCA1 associated deubiquitinase 1; minus strand). Cytogenetic location: 3p21.1.
Variant type: single nucleotide variant.
Coding change: c.1842G>C on transcript NM_004656.4 (MANE Select); coding-DNA position 1842, G replaced by C.
Protein change: p.Gly614=; no amino-acid change (glycine 614 retained).
Molecular consequence: synonymous variant.
Genome position (GRCh38, 1-based): chr3:52,403,186, C>G on the plus strand (G>C on the coding strand, the complement: BAP1 is on the minus strand). VCF-style: chr3-52403186-C-G. GRCh37 (hg19) VCF-style: chr3-52437202-C-G.
Identifiers: ClinVar variation 490820 (VCV000490820.14), dbSNP rs781269263, ClinGen allele CA74740349.